The following is an entry in ClinVar:

ClinVar aggregate classification (germline): Uncertain significance (1 of 4 stars; one submission).

Conditions:
Jeune thoracic dystrophy. Also called: Short-rib thoracic dysplasia; Jeune syndrome; Infantile thoracic dystrophy; Thoracic pelvic phalangeal dystrophy; Jeune's syndrome; Chondroectodermal dysplasia-like syndrome. Identifiers: Orphanet 474, MedGen C0265275, MONDO:0018770.

gnomAD v4.1: 4 of 1,611,646 alleles (0.00025%); highest among the groups gnomAD compares: African/African-American, 0.0027%; no homozygotes.

Submission:

Labcorp Genetics (formerly Invitae), Labcorp
Classification: Uncertain significance for Jeune thoracic dystrophy. Last evaluated: 2025-09-02. Review status: criteria provided, single submitter. Criteria: Invitae Variant Classification Sherloc (09022015). Collection method: clinical testing. Allele origin: germline.
Comment: This sequence change replaces tyrosine, which is neutral and polar, with histidine, which is basic and polar, at codon 3358 of the DYNC2H1 protein (p.Tyr3358His). This variant is not present in population databases (gnomAD no frequency). This variant has not been reported in the literature in individuals affected with DYNC2H1-related conditions. Invitae Evidence Modeling of protein sequence and biophysical properties (such as structural, functional, and spatial information, amino acid conservation, physicochemical variation, residue mobility, and thermodynamic stability) has been performed for this missense variant. However, the output from this modeling did not meet the statistical confidence thresholds required to predict the impact of this variant on DYNC2H1 protein function. In summary, the available evidence is currently insufficient to determine the role of this variant in disease. Therefore, it has been classified as a Variant of Uncertain Significance.

NM_001377.3(DYNC2H1):c.10051T>C (p.Tyr3351His)

Gene: DYNC2H1 (dynein cytoplasmic 2 heavy chain 1; plus strand). Cytogenetic location: 11q22.3.
Variant type: single nucleotide variant.
Coding change: c.10051T>C on transcript NM_001377.3 (MANE Select); coding-DNA position 10051, T replaced by C.
Protein change: p.Tyr3351His; replaces tyrosine 3351 with histidine.
Molecular consequence: missense variant.
Genome position (GRCh38, 1-based): chr11:103,253,293, T>C. VCF-style: chr11-103253293-T-C. GRCh37 (hg19) VCF-style: chr11-103124022-T-C.
Other names: c.10072T>C, p.Tyr3358His (NM_001080463.2); short protein forms Y3351H, Y3358H.
Identifiers: ClinVar variation 4690477 (VCV004690477.1).